The following is an entry in ClinVar:

ClinVar aggregate classification (germline): Benign/Likely benign. Review status: criteria provided, multiple submitters, no conflicts (2 of 4 stars). 4 submissions from 4 submitters: Benign (2); Likely benign (2). Last evaluated 2025-02-01.

Allele frequency attached by ClinVar (database versions not stated): gnomAD 0.00006 and 0.00051; ESP Exome Variant Server 0.00008; gnomAD exomes 0.00188; ExAC 0.00219; 1000 Genomes Project 30x 0.00328; 1000 Genomes Project 0.00379.
gnomAD v4.1: 1,388 of 1,612,690 alleles (0.086%); highest among the groups gnomAD compares: South Asian, 1.3%; 12 homozygotes.

Submissions (4):

CeGaT Center for Human Genetics Tuebingen
Classification: Likely benign. Last evaluated: 2025-02-01. Review status: criteria provided, single submitter. Criteria: CeGaT Center For Human Genetics Tuebingen Variant Classification Criteria Version 2. Collection method: clinical testing. Allele origin: germline. Affected: yes. Observed: 1 variant allele.
Comment: ADCY3: BP4, BP7, BS1

Blueprint Genetics
Classification: Likely benign. Last evaluated: 2024-10-24. Review status: criteria provided, single submitter. Criteria: ACMG Guidelines, 2015. Collection method: clinical testing. Allele origin: germline.

Labcorp Genetics (formerly Invitae), Labcorp
Classification: Benign. Last evaluated: 2024-02-26. Review status: criteria provided, single submitter. Criteria: Invitae Variant Classification Sherloc (09022015). Collection method: clinical testing. Allele origin: germline.

Breakthrough Genomics
Classification: Benign. Review status: criteria provided, single submitter. Criteria: ACMG Guidelines, 2015. Collection method: not provided. Allele origin: germline. Inheritance: Autosomal recessive inheritance. Affected: yes.

NM_004036.5(ADCY3):c.606G>A (p.Thr202=)

Gene: ADCY3 (adenylate cyclase 3; minus strand). Cytogenetic location: 2p23.3.
Variant type: single nucleotide variant.
Coding change: c.606G>A on transcript NM_004036.5 (MANE Select); coding-DNA position 606, G replaced by A.
Protein change: p.Thr202=; no amino-acid change (threonine 202 retained).
Molecular consequence: synonymous variant.
Genome position (GRCh38, 1-based): chr2:24,918,382, C>T on the plus strand (G>A on the coding strand, the complement: ADCY3 is on the minus strand). VCF-style: chr2-24918382-C-T. GRCh37 (hg19) VCF-style: chr2-25141251-C-T.
Other names: c.606G>A, p.Thr202= (NM_001320613.2, NM_001377128.1, NM_001377129.1 and 2 more transcripts).
Identifiers: ClinVar variation 1530385 (VCV001530385.23), dbSNP rs201676524, ClinGen allele CA1554472.
Genomic context (GRCh38, chr2:24,918,382, plus strand): 5'-CAGCTGCATCCCCTTGAGCTCCTCCTGCTGCTGCTGGGCCACGGTGACCCCCAGGACCAA[C>T]GTGTGCACCACACAGGAGACCACGGAGATGATCACGATGGGGCTGAGGCTGAGGGGCAGC-3'
Protein context (NP_004027.2, residues 192-212): IISVVSCVVH[Thr202=]LVLGVTVAQQ